The following is an entry in ClinVar:

ClinVar aggregate classification (germline): Uncertain significance (1 of 4 stars; one submission).

Allele frequency attached by ClinVar (database versions not stated): gnomAD exomes 0.00001.
gnomAD v4.1: 5 of 1,613,286 alleles (0.00031%); highest among the groups gnomAD compares: Non-Finnish European, 0.00042%; no homozygotes.

Submission:

CeGaT Center for Human Genetics Tuebingen
Classification: Uncertain significance. Last evaluated: 2024-03-01. Review status: criteria provided, single submitter. Criteria: CeGaT Center For Human Genetics Tuebingen Variant Classification Criteria Version 2. Collection method: clinical testing. Allele origin: germline. Affected: yes. Observed: 1 variant allele.
Comment: CACNA1G: PM2

NM_018896.5(CACNA1G):c.6152G>A (p.Ser2051Asn)

Gene: CACNA1G (calcium voltage-gated channel subunit alpha1 G; plus strand). Cytogenetic location: 17q21.33.
Variant type: single nucleotide variant.
Coding change: c.6152G>A on transcript NM_018896.5 (MANE Select); coding-DNA position 6152, G replaced by A.
Protein change: p.Ser2051Asn; replaces serine 2051 with asparagine.
Molecular consequence: missense variant. On other transcripts: non-coding transcript variant (5).
Genome position (GRCh38, 1-based): chr17:50,623,998, G>A. VCF-style: chr17-50623998-G-A. GRCh37 (hg19) VCF-style: chr17-48701359-G-A.
Other names: c.5963G>A, p.Ser1988Asn (NM_001256324.2); c.5894G>A, p.Ser1965Asn (NM_001256325.2); c.5882G>A, p.Ser1961Asn (NM_001256326.2); c.5852G>A, p.Ser1951Asn (NM_001256327.2); c.5798G>A, p.Ser1933Asn (NM_001256328.2); c.5771G>A, p.Ser1924Asn (NM_001256329.2, NM_198376.3, NM_198387.3); c.5738G>A, p.Ser1913Asn (NM_001256330.2); c.5717G>A, p.Ser1906Asn (NM_001256331.2); and 15 more; short protein forms S1901N, S1906N, S1913N, S1917N, S1920N, S1922N, S1924N, S1931N.
Identifiers: ClinVar variation 3027376 (VCV003027376.22), dbSNP rs2545865567, ClinGen allele CA400269217.